The following is an entry in ClinVar:

ClinVar aggregate classification (germline): Uncertain significance. Review status: criteria provided, multiple submitters, no conflicts (2 of 4 stars). 5 submissions from 5 submitters: Uncertain significance (5). Last evaluated 2026-06-08.

Conditions:
Inborn genetic diseases. Identifiers: MedGen C0950123, MeSH D030342.

Allele frequency attached by ClinVar (database versions not stated): ExAC 0.00015; 1000 Genomes Project 30x 0.00031; ESP Exome Variant Server 0.00092; gnomAD 0.00052; 1000 Genomes Project 0.00020.

Submissions (5):

Women's Health and Genetics/Laboratory Corporation of America, LabCorp
Classification: Uncertain significance. Last evaluated: 2026-06-08. Review status: criteria provided, single submitter. Criteria: LabCorp Variant Classification Summary - May 2015. Collection method: clinical testing. Allele origin: germline.

GeneDx
Classification: Uncertain significance. Last evaluated: 2026-03-31. Review status: criteria provided, single submitter. Criteria: GeneDx Variant Classification Process June 2021. Collection method: clinical testing. Allele origin: germline.
Comment: In silico analysis suggests that this missense variant does not alter protein structure/function; Has not been previously published as pathogenic or benign to our knowledge

Mayo Clinic Laboratories, Mayo Clinic
Classification: Uncertain significance. Last evaluated: 2024-10-17. Review status: criteria provided, single submitter. Criteria: ACMG Guidelines, 2015. Collection method: clinical testing. Allele origin: germline. Observed: 2 variant alleles.
Comment: BS1

Labcorp Genetics (formerly Invitae), Labcorp
Classification: Uncertain significance. Last evaluated: 2022-02-21. Review status: criteria provided, single submitter. Criteria: Invitae Variant Classification Sherloc (09022015). Collection method: clinical testing. Allele origin: germline.
Comment: This sequence change replaces glutamic acid, which is acidic and polar, with lysine, which is basic and polar, at codon 1079 of the AEBP1 protein (p.Glu1079Lys). This variant is present in population databases (rs138297087, gnomAD 0.2%). This variant has not been reported in the literature in individuals affected with AEBP1-related conditions. Algorithms developed to predict the effect of missense changes on protein structure and function are either unavailable or do not agree on the potential impact of this missense change (SIFT: "Deleterious"; PolyPhen-2: "Benign"; Align-GVGD: "Class C0"). In summary, the available evidence is currently insufficient to determine the role of this variant in disease. Therefore, it has been classified as a Variant of Uncertain Significance.

Ambry Genetics
Classification: Uncertain significance for Inborn genetic diseases. Last evaluated: 2021-08-13. Review status: criteria provided, single submitter. Criteria: Ambry Variant Classification Scheme 2023. Collection method: clinical testing. Allele origin: germline.

NM_001129.5(AEBP1):c.3235G>A (p.Glu1079Lys)

Gene: AEBP1 (AE binding protein 1; plus strand). Cytogenetic location: 7p13.
Variant type: single nucleotide variant.
Coding change: c.3235G>A on transcript NM_001129.5 (MANE Select); coding-DNA position 3235, G replaced by A.
Protein change: p.Glu1079Lys; replaces glutamic acid 1079 with lysine.
Molecular consequence: missense variant.
Genome position (GRCh38, 1-based): chr7:44,114,019, G>A. VCF-style: chr7-44114019-G-A. GRCh37 (hg19) VCF-style: chr7-44153618-G-A.
Other names: p.Glu1079Lys; c.3235G>A (NM_001129.4); short protein forms E1079K.
Identifiers: ClinVar variation 2061164 (VCV002061164.6), dbSNP rs138297087, ClinGen allele CA4238439.